The following is an entry in ClinVar:

ClinVar aggregate classification (germline): Benign/Likely benign. Review status: criteria provided, multiple submitters, no conflicts (2 of 4 stars). 4 submissions from 4 submitters: Benign (2); Likely benign (1). 1 of the submissions does not count toward it. Last evaluated 2025-10-28.

Conditions:
MED13L-related disorder. Also called: MED13L-related condition.
Dextro-looped transposition of the great arteries. Also called: Dextrotransposition of the great arteries. Identifiers: Orphanet 860, MedGen C3531771, MONDO:0019443, OMIM 608808, HP:0031348.

Allele frequency attached by ClinVar (database versions not stated): gnomAD exomes 0.00010 and 0.00027; ExAC 0.00034; gnomAD 0.00105 and 0.00114; 1000 Genomes Project 30x 0.00109; TOPMed 0.00111; ESP Exome Variant Server 0.00115; 1000 Genomes Project 0.00120.
gnomAD v4.1: 310 of 1,614,132 alleles (0.019%); highest among the groups gnomAD compares: African/African-American, 0.37%; no homozygotes.

Submissions (4):

Labcorp Genetics (formerly Invitae), Labcorp
Classification: Benign for Dextro-looped transposition of the great arteries. Last evaluated: 2025-10-28. Review status: criteria provided, single submitter. Criteria: Invitae Variant Classification Sherloc (09022015). Collection method: clinical testing. Allele origin: germline.

CeGaT Center for Human Genetics Tuebingen
Classification: Likely benign. Last evaluated: 2024-07-01. Review status: criteria provided, single submitter. Criteria: CeGaT Center For Human Genetics Tuebingen Variant Classification Criteria Version 2. Collection method: clinical testing. Allele origin: germline. Affected: yes. Observed: 1 variant allele.
Comment: MED13L: BP4, BP7, BS1

GeneDx
Classification: Benign. Last evaluated: 2020-03-24. Review status: criteria provided, single submitter. Criteria: GeneDx Variant Classification Process June 2021. Collection method: clinical testing. Allele origin: germline. Affected: yes.

PreventionGenetics, part of Exact Sciences
Classification: Likely benign for MED13L-related condition. Last evaluated: 2019-05-31. Review status: no assertion criteria provided. Collection method: clinical testing. Allele origin: germline. Not counted in ClinVar's aggregate classification.
Comment: This variant is classified as likely benign based on ACMG/AMP sequence variant interpretation guidelines (Richards et al. 2015 PMID: 25741868, with internal and published modifications).

NM_015335.5(MED13L):c.3330T>C (p.Tyr1110=)

Gene: MED13L (mediator complex subunit 13L; minus strand). Cytogenetic location: 12q24.21.
Variant type: single nucleotide variant.
Coding change: c.3330T>C on transcript NM_015335.5 (MANE Select); coding-DNA position 3330, T replaced by C.
Protein change: p.Tyr1110=; no amino-acid change (tyrosine 1110 retained).
Molecular consequence: synonymous variant.
Genome position (GRCh38, 1-based): chr12:115,991,624, A>G on the plus strand (T>C on the coding strand, the complement: MED13L is on the minus strand). VCF-style: chr12-115991624-A-G. GRCh37 (hg19) VCF-style: chr12-116429429-A-G.
Identifiers: ClinVar variation 1277249 (VCV001277249.27), dbSNP rs139711748, ClinGen allele CA6810990.